The following is an entry in ClinVar:

NM_001972.2(ELANE):c.-225C>A

Gene: ELANE (elastase, neutrophil expressed; plus strand). Cytogenetic location: 19p13.3.
Variant type: single nucleotide variant.
Coding change: c.-225C>A on transcript NM_001972.2; 225 bases upstream of the start codon, C replaced by A.
Genome position (GRCh38, 1-based): chr19:852,104, C>A. VCF-style: chr19-852104-C-A. GRCh37 (hg19) VCF-style: chr19-852104-C-A.
Identifiers: ClinVar variation 677093 (VCV000677093.4), dbSNP rs740021, ClinGen allele CA14708080.

ClinVar aggregate classification (germline): Benign. Review status: criteria provided, multiple submitters, no conflicts (2 of 4 stars). 2 submissions from 2 submitters: Benign (2). Last evaluated 2018-06-19.

Allele frequency attached by ClinVar (database versions not stated): gnomAD exomes 0.05380; gnomAD 0.08937 and 0.08648; TOPMed 0.09821; 1000 Genomes Project 30x 0.18004; 1000 Genomes Project 0.18231.

Submissions (2):

GeneDx
Classification: Benign. Last evaluated: 2018-06-19. Review status: criteria provided, single submitter. Criteria: GeneDx Variant Classification (06012015). Collection method: clinical testing. Allele origin: germline. Affected: yes.
Comment: This variant is considered likely benign or benign based on one or more of the following criteria: it is a conservative change, it occurs at a poorly conserved position in the protein, it is predicted to be benign by multiple in silico algorithms, and/or has population frequency not consistent with disease.

Breakthrough Genomics
Classification: Benign. Review status: criteria provided, single submitter. Criteria: ACMG Guidelines, 2015. Collection method: not provided. Allele origin: germline. Inheritance: Autosomal dominant inheritance. Affected: yes.